The following is an entry in ClinVar:

ClinVar aggregate classification (germline): Uncertain significance. Review status: criteria provided, multiple submitters, no conflicts (2 of 4 stars). 2 submissions from 2 submitters: Uncertain significance (2). Last evaluated 2025-01-28.

Conditions:
Cardiovascular phenotype. Identifiers: MedGen CN230736.
Brugada syndrome 4 (BRGDA4). Identifiers: Orphanet 130, MedGen C2678477, MONDO:0012743, OMIM 611876.

Allele frequency attached by ClinVar (database versions not stated): gnomAD exomes below 0.00001.
gnomAD v4.1: 2 of 1,603,086 alleles (0.00012%); highest among the groups gnomAD compares: Admixed American, 0.0033%; no homozygotes.

Submissions (2):

Ambry Genetics
Classification: Uncertain significance for Cardiovascular phenotype. Last evaluated: 2025-01-28. Review status: criteria provided, single submitter. Criteria: Ambry Variant Classification Scheme 2023. Collection method: clinical testing. Allele origin: germline.
Comment: The p.S296T variant (also known as c.887G>C), located in coding exon 9 of the CACNB2 gene, results from a G to C substitution at nucleotide position 887. The serine at codon 296 is replaced by threonine, an amino acid with similar properties. This amino acid position is conserved. In addition, this alteration is predicted to be tolerated by in silico analysis. Based on the available evidence, the clinical significance of this variant remains unclear.

Labcorp Genetics (formerly Invitae), Labcorp
Classification: Uncertain significance for Brugada syndrome 4. Last evaluated: 2020-10-08. Review status: criteria provided, single submitter. Criteria: Invitae Variant Classification Sherloc (09022015). Collection method: clinical testing. Allele origin: germline.
Comment: In summary, the available evidence is currently insufficient to determine the role of this variant in disease. Therefore, it has been classified as a Variant of Uncertain Significance. Algorithms developed to predict the effect of missense changes on protein structure and function are either unavailable or do not agree on the potential impact of this missense change (SIFT: "Deleterious"; PolyPhen-2: "Benign"; Align-GVGD: "Class C0"). This variant has not been reported in the literature in individuals with CACNB2-related conditions. This variant is not present in population databases (ExAC no frequency). This sequence change replaces serine with threonine at codon 296 of the CACNB2 protein (p.Ser296Thr). The serine residue is highly conserved and there is a small physicochemical difference between serine and threonine.

NM_201596.3(CACNB2):c.1049G>C (p.Ser350Thr)

Gene: CACNB2 (calcium voltage-gated channel auxiliary subunit beta 2; plus strand). Cytogenetic location: 10p12.31.
Variant type: single nucleotide variant.
Coding change: c.1049G>C on transcript NM_201596.3 (MANE Select); coding-DNA position 1049, G replaced by C.
Protein change: p.Ser350Thr; replaces serine 350 with threonine.
Molecular consequence: missense variant.
Genome position (GRCh38, 1-based): chr10:18,527,692, G>C. VCF-style: chr10-18527692-G-C. GRCh37 (hg19) VCF-style: chr10-18816621-G-C.
Other names: c.884G>C, p.Ser295Thr (NM_000724.4); c.851G>C, p.Ser284Thr (NM_001167945.2); c.770G>C, p.Ser257Thr (NM_001330060.2); c.905G>C, p.Ser302Thr (NM_201570.3); c.965G>C, p.Ser322Thr (NM_201571.4); c.893G>C, p.Ser298Thr (NM_201572.4); c.887G>C, p.Ser296Thr (NM_201590.3); c.935G>C, p.Ser312Thr (NM_201593.3); and 2 more; short protein forms S284T, S295T, S298T, S312T, S296T, S322T, S326T, S257T.
Identifiers: ClinVar variation 1045229 (VCV001045229.7), dbSNP rs1348268646, ClinGen allele CA376065408.